The following is an entry in ClinVar:

ClinVar aggregate classification (germline): Uncertain significance (1 of 4 stars; one submission).

Conditions:
Inborn genetic diseases. Identifiers: MedGen C0950123, MeSH D030342.

Allele frequency attached by ClinVar (database versions not stated): TOPMed below 0.00001; ExAC 0.00001; gnomAD 0.00001; gnomAD exomes 0.00001.
gnomAD v4.1: 16 of 1,608,218 alleles (0.00099%); highest among the groups gnomAD compares: Admixed American, 0.0017%; no homozygotes.

Submission:

Ambry Genetics
Classification: Uncertain significance for Inborn genetic diseases. Last evaluated: 2020-07-29. Review status: criteria provided, single submitter. Criteria: Ambry Variant Classification Scheme 2023. Collection method: clinical testing. Allele origin: germline.
Comment: The p.H3456D variant (also known as c.10366C>G), located in coding exon 56 of the DST gene, results from a C to G substitution at nucleotide position 10366. The histidine at codon 3456 is replaced by aspartic acid, an amino acid with similar properties. This amino acid position is not well conserved in available vertebrate species. In addition, this alteration is predicted to be tolerated by in silico analysis. Since supporting evidence is limited at this time, the clinical significance of this alteration remains unclear.

NM_001374736.1(DST):c.16723C>G (p.His5575Asp)

Gene: DST (dystonin; minus strand). Cytogenetic location: 6p12.1.
Variant type: single nucleotide variant.
Coding change: c.16723C>G on transcript NM_001374736.1 (MANE Select); coding-DNA position 16723, C replaced by G.
Protein change: p.His5575Asp; replaces histidine 5575 with aspartic acid.
Molecular consequence: missense variant.
Genome position (GRCh38, 1-based): chr6:56,536,826, G>C on the plus strand (C>G on the coding strand, the complement: DST is on the minus strand). VCF-style: chr6-56536826-G-C. GRCh37 (hg19) VCF-style: chr6-56401624-G-C.
Other names: c.10366C>G, p.His3456Asp (NM_001144769.5); c.9952C>G, p.His3318Asp (NM_001144770.2); c.16723C>G, p.His5575Asp (NM_001374722.1); c.16090C>G, p.His5364Asp (NM_001374729.1); c.9832C>G, p.His3278Asp (NM_001374730.1, NM_001386100.1, NM_183380.4); c.16750C>G, p.His5584Asp (NM_001374734.1); c.8854C>G, p.His2952Asp (NM_015548.5); short protein forms H5575D, H2952D, H3278D, H5364D, H3318D, H5584D, H3456D.
Identifiers: ClinVar variation 1772606 (VCV001772606.2), dbSNP rs764038601, ClinGen allele CA3867611.
Genomic context (GRCh38, chr6:56,536,826, plus strand): 5'-GTGAGAAAATTACCTTCTTATTGAGAGTCTTCCACCGTGCATTGACATCATCCAGGTCAT[G>C]CTCCAAGCCCTGAGTGCTAGTGCTTTTGGCAGCACTCTGAATAAGGCCTTGACCTAACCA-3'
Protein context (NP_001361665.1, residues 5565-5585): AKSTSTQGLE[His5575Asp]DLDDVNARWK